The following is an entry in ClinVar:

ClinVar aggregate classification (germline): Uncertain significance (1 of 4 stars; one submission).

Conditions:
Hereditary thrombocytopenia and hematological cancer predisposition syndrome associated with RUNX1. Also called: Familial Platelet Disorder with Propensity to Acute Myelogenous Leukemia; Familial thrombocytopenia with propensity to acute myelogenous leukemia; RUNX1 Familial Platelet Disorder with Associated Myeloid Malignancies; PLATELET DISORDER, ASPIRIN-LIKE. Identifiers: Orphanet 71290, MedGen C1832388, MeSH C563324, MONDO:0100083, OMIM 601399.

Submission:

Labcorp Genetics (formerly Invitae), Labcorp
Classification: Uncertain significance for Hereditary thrombocytopenia and hematological cancer predisposition syndrome associated with RUNX1. Last evaluated: 2021-08-16. Review status: criteria provided, single submitter. Criteria: Invitae Variant Classification Sherloc (09022015). Collection method: clinical testing. Allele origin: germline.
Comment: In summary, the available evidence is currently insufficient to determine the role of this variant in disease. Therefore, it has been classified as a Variant of Uncertain Significance. Experimental studies and prediction algorithms are not available or were not evaluated, and the functional significance of this variant is currently unknown. This variant is a gross deletion of the genomic region encompassing exon(s) 9 of the RUNX1 gene, which includes the termination codon. This deletion extends beyond the assayed region for this gene and therefore may encompass additional genes. While this deletion is not anticipated to lead to nonsense mediated decay, it is expected to alter mRNA translation or result in a truncated protein product. This variant has not been reported in the literature in individuals affected with RUNX1-related conditions.

NC_000021.8:g.(?_36164432)_(36164917_?)del

Gene: RUNX1 (RUNX family transcription factor 1; minus strand). Cytogenetic location: 21q22.12.
Variant type: Deletion.
Identifiers: ClinVar variation 1432274 (VCV001432274.4).